The following is an entry in ClinVar:

ClinVar aggregate classification (germline): Likely pathogenic (1 of 4 stars; one submission).

Conditions:
Breast-ovarian cancer, familial, susceptibility to, 2 (BROVCA2). Also called: BRCA2 Hereditary Breast and Ovarian Cancer. Identifiers: Orphanet 145, MedGen C2675520, MONDO:0012933, OMIM 612555. Disease mechanism: loss of function.

Submission:

Myriad Genetics, Inc.
Classification: Likely pathogenic for Breast-ovarian cancer, familial, susceptibility to, 2. Last evaluated: 2023-07-06. Review status: criteria provided, single submitter. Criteria: Myriad Autosomal Dominant, Autosomal Recessive and X-Linked Classification Criteria (2023). Collection method: clinical testing. Allele origin: unknown.
Comment: This variant is considered likely pathogenic. This variant occurs within a consensus splice junction and is predicted to result in abnormal mRNA splicing of either an out-of-frame exon or an in-frame exon necessary for protein stability and/or normal function.

NM_000059.4(BRCA2):c.475+1del

Gene: BRCA2 (BRCA2 DNA repair associated; plus strand). Cytogenetic location: 13q13.1.
Variant type: Deletion.
Coding change: c.475+1del on transcript NM_000059.4 (MANE Select); the canonical splice donor site of the intron after coding-DNA position 475, one base deleted (G; older notation c.475+1delG).
Molecular consequence: splice donor variant.
Genome position (GRCh38, 1-based): chr13:32,326,151, G deleted; the last of 2 consecutive G bases (chr13:32,326,150-32,326,151); deleting either gives the same sequence. VCF-style (leftmost placement, unchanged base first): chr13-32326149-AG-A. GRCh37 (hg19) VCF-style: chr13-32900286-AG-A.
Other names: c.475+1del (NM_001406720.1, NM_001406719.1, NM_001406721.1); c.106+1del (NM_001406722.1).
Identifiers: ClinVar variation 2674464 (VCV002674464.1), dbSNP rs2548515024, ClinGen allele CA2695199261.